The following is an entry in ClinVar:

ClinVar aggregate classification (germline): Likely benign. Review status: criteria provided, multiple submitters, no conflicts (2 of 4 stars). 3 submissions from 3 submitters: Likely benign (3). Last evaluated 2024-05-13.

Conditions:
Inborn genetic diseases. Identifiers: MedGen C0950123, MeSH D030342.
Charcot-Marie-Tooth disease dominant intermediate B (CMTDIB). Also called: CHARCOT-MARIE-TOOTH NEUROPATHY, DOMINANT INTERMEDIATE B; Charcot-Marie-Tooth disease dominant intermediate 1; CMT DI1; Charcot-Marie-Tooth disease dominant intermediate I. Identifiers: Orphanet 100044, Orphanet 228179, MedGen C1847902, MONDO:0011674, OMIM 606482.

Allele frequency attached by ClinVar (database versions not stated): ExAC 0.00001; gnomAD 0.00001; gnomAD exomes 0.00001 and 0.00003; TOPMed 0.00001; ESP Exome Variant Server 0.00015.
gnomAD v4.1: 40 of 1,614,020 alleles (0.0025%); highest among the groups gnomAD compares: Non-Finnish European, 0.0034%; no homozygotes.

Submissions (3):

Labcorp Genetics (formerly Invitae), Labcorp
Classification: Likely benign for Charcot-Marie-Tooth disease dominant intermediate B. Last evaluated: 2024-05-13. Review status: criteria provided, single submitter. Criteria: Invitae Variant Classification Sherloc (09022015). Collection method: clinical testing. Allele origin: germline.

Ambry Genetics
Classification: Likely benign for Inborn genetic diseases. Last evaluated: 2019-07-11. Review status: criteria provided, single submitter. Criteria: Ambry Variant Classification Scheme 2023. Collection method: clinical testing. Allele origin: germline.

GeneDx
Classification: Likely benign. Last evaluated: 2015-10-21. Review status: criteria provided, single submitter. Criteria: GeneDx Variant Classification (06012015). Collection method: clinical testing. Allele origin: germline. Affected: yes.
Comment: This variant is considered likely benign or benign based on one or more of the following criteria: it is a conservative change, it occurs at a poorly conserved position in the protein, it is predicted to be benign by multiple in silico algorithms, and/or has population frequency not consistent with disease.

NM_001005361.3(DNM2):c.183A>G (p.Ser61=)

Gene: DNM2 (dynamin 2; plus strand). Cytogenetic location: 19p13.2.
Variant type: single nucleotide variant.
Coding change: c.183A>G on transcript NM_001005361.3 (MANE Select); coding-DNA position 183, A replaced by G.
Protein change: p.Ser61=; no amino-acid change (serine 61 retained).
Molecular consequence: synonymous variant.
Genome position (GRCh38, 1-based): chr19:10,759,759, A>G. VCF-style: chr19-10759759-A-G. GRCh37 (hg19) VCF-style: chr19-10870435-A-G.
Other names: c.183A>G, p.Ser61= (NM_001005360.3, NM_001005362.3, NM_001190716.2 and 1 more transcripts).
Identifiers: ClinVar variation 381034 (VCV000381034.11), dbSNP rs149555942, ClinGen allele CA9200724.